The following is an entry in ClinVar:

ClinVar aggregate classification (germline): Benign. Review status: criteria provided, multiple submitters, no conflicts (2 of 4 stars). 3 submissions from 3 submitters: Benign (2). 1 of the submissions does not count toward it. Last evaluated 2018-05-16.

Allele frequency attached by ClinVar (database versions not stated): ExAC 0.00225; TOPMed 0.00722; ESP Exome Variant Server 0.00761; 1000 Genomes Project 30x 0.00578; 1000 Genomes Project 0.00599; gnomAD 0.00659 and 0.00711.
gnomAD v4.1: 2,007 of 1,596,392 alleles (0.13%); highest among the groups gnomAD compares: African/African-American, 2.2%; 29 homozygotes.

Submissions (3):

Labcorp Genetics (formerly Invitae), Labcorp
Classification: Benign. Last evaluated: 2018-05-16. Review status: criteria provided, single submitter. Criteria: Invitae Variant Classification Sherloc (09022015). Collection method: clinical testing. Allele origin: germline.

Breakthrough Genomics
Classification: Benign. Review status: criteria provided, single submitter. Criteria: ACMG Guidelines, 2015. Collection method: not provided. Allele origin: germline. Inheritance: Unknown mechanism. Affected: yes.

ITMI
No classification provided. Condition: AllHighlyPenetrant. Last evaluated: 2013-09-19. Review status: no classification provided. Collection method: reference population. Allele origin: germline. Not counted in ClinVar's aggregate classification.
Comment: Please see associated publication for description of ethnicities

Literature cited by the submitters: PubMed 24728327 (cited by ITMI).

NM_000534.5(PMS1):c.2417C>G (p.Thr806Ser)

Gene: PMS1 (PMS1 homolog 1, mismatch repair system component; plus strand). Cytogenetic location: 2q32.2.
Variant type: single nucleotide variant.
Coding change: c.2417C>G on transcript NM_000534.5 (MANE Select); coding-DNA position 2417, C replaced by G.
Protein change: p.Thr806Ser; replaces threonine 806 with serine.
Molecular consequence: missense variant. On other transcripts: non-coding transcript variant (1).
Genome position (GRCh38, 1-based): chr2:189,867,873, C>G. VCF-style: chr2-189867873-C-G. GRCh37 (hg19) VCF-style: chr2-190732599-C-G.
Other names: c.2300C>G, p.Thr767Ser (NM_001128143.2); c.1931C>G, p.Thr644Ser (NM_001128144.2); c.1889C>G, p.Thr630Ser (NM_001289408.2, NM_001289409.2); c.1814C>G, p.Thr605Ser (NM_001321044.2); c.2417C>G, p.Thr806Ser (NM_001321045.2, NM_001321047.2, NM_001321048.2); c.2234C>G, p.Thr745Ser (NM_001321046.2); short protein forms T806S, T630S, T767S, T605S, T745S, T644S.
Identifiers: ClinVar variation 135047 (VCV000135047.5), dbSNP rs55859858, ClinGen allele CA161513.